The following is an entry in ClinVar:

ClinVar aggregate classification (germline): Uncertain significance (1 of 4 stars; one submission).

Submission:

Labcorp Genetics (formerly Invitae), Labcorp
Classification: Uncertain significance. Last evaluated: 2023-12-11. Review status: criteria provided, single submitter. Criteria: Invitae Variant Classification Sherloc (09022015). Collection method: clinical testing. Allele origin: germline.
Comment: This sequence change replaces valine, which is neutral and non-polar, with leucine, which is neutral and non-polar, at codon 883 of the TRAPPC9 protein (p.Val883Leu). This variant is not present in population databases (gnomAD no frequency). This variant has not been reported in the literature in individuals affected with TRAPPC9-related conditions. ClinVar contains an entry for this variant (Variation ID: 1720524). An algorithm developed to predict the effect of missense changes on protein structure and function (PolyPhen-2) suggests that this variant is likely to be tolerated. In summary, the available evidence is currently insufficient to determine the role of this variant in disease. Therefore, it has been classified as a Variant of Uncertain Significance.

NM_001160372.4(TRAPPC9):c.2353G>T (p.Val785Leu)

Gene: TRAPPC9 (trafficking protein particle complex subunit 9; minus strand). Cytogenetic location: 8q24.3.
Variant type: single nucleotide variant.
Coding change: c.2353G>T on transcript NM_001160372.4 (MANE Select); coding-DNA position 2353, G replaced by T.
Protein change: p.Val785Leu; replaces valine 785 with leucine.
Molecular consequence: missense variant. On other transcripts: non-coding transcript variant (1).
Genome position (GRCh38, 1-based): chr8:140,252,855, C>A on the plus strand (G>T on the coding strand, the complement: TRAPPC9 is on the minus strand). VCF-style: chr8-140252855-C-A. GRCh37 (hg19) VCF-style: chr8-141262954-C-A.
Other names: c.2326G>T, p.Val776Leu (NM_001321646.2); c.2374G>T, p.Val792Leu (NM_001374682.1); c.2353G>T, p.Val785Leu (NM_001374683.1, NM_031466.8); c.2209G>T, p.Val737Leu (NM_001374684.1); short protein forms V737L, V776L, V785L, V792L.
Identifiers: ClinVar variation 1720524 (VCV001720524.5), dbSNP rs1216688729, ClinGen allele CA372737576.